The following is an entry in ClinVar:

NM_018474.6(KIZ):c.992C>G (p.Ser331Cys)

Gene: KIZ (kizuna centrosomal protein; plus strand). Cytogenetic location: 20p11.23.
Variant type: single nucleotide variant.
Coding change: c.992C>G on transcript NM_018474.6 (MANE Select); coding-DNA position 992, C replaced by G.
Protein change: p.Ser331Cys; replaces serine 331 with cysteine.
Molecular consequence: missense variant.
Genome position (GRCh38, 1-based): chr20:21,162,457, C>G. VCF-style: chr20-21162457-C-G. GRCh37 (hg19) VCF-style: chr20-21143098-C-G.
Other names: c.683C>G, p.Ser228Cys (NM_001163022.3, NM_001352435.2); c.593C>G, p.Ser198Cys (NM_001163023.3); c.845C>G, p.Ser282Cys (NM_001276389.2); c.992C>G, p.Ser331Cys (NM_001352434.2); c.650C>G, p.Ser217Cys (NM_001352436.2); short protein forms S217C, S282C, S331C, S198C, S228C.
Identifiers: ClinVar variation 2060492 (VCV002060492.3), dbSNP rs369308735, ClinGen allele CA9784749.
Genomic context (GRCh38, chr20:21,162,457, plus strand): 5'-TTGAGGAAAAAAGAGCCAGCCCGCCAGTCTCTCCGATACCAGTTTCAGAATACTGTGAAT[C>G]TGAAAATAAGTGGTCTCAAGAGAAGCATTCTCCTTGGGAAGGTGTTTCAGGTGGGATGAG-3'
Protein context (NP_060944.3, residues 321-341): SPIPVSEYCE[Ser331Cys]ENKWSQEKHS

ClinVar aggregate classification (germline): Uncertain significance. Review status: criteria provided, multiple submitters, no conflicts (2 of 4 stars). 2 submissions from 2 submitters: Uncertain significance (2). Last evaluated 2022-03-16.

Allele frequency attached by ClinVar (database versions not stated): gnomAD exomes below 0.00001; ExAC 0.00002; ESP Exome Variant Server 0.00008.

Submissions (2):

Labcorp Genetics (formerly Invitae), Labcorp
Classification: Uncertain significance. Last evaluated: 2022-03-16. Review status: criteria provided, single submitter. Criteria: Invitae Variant Classification Sherloc (09022015). Collection method: clinical testing. Allele origin: germline.
Comment: In summary, the available evidence is currently insufficient to determine the role of this variant in disease. Therefore, it has been classified as a Variant of Uncertain Significance. Experimental studies and prediction algorithms are not available or were not evaluated, and the functional significance of this variant is currently unknown. This variant has not been reported in the literature in individuals affected with KIZ-related conditions. This variant is present in population databases (rs369308735, gnomAD 0.002%). This sequence change replaces serine, which is neutral and polar, with cysteine, which is neutral and slightly polar, at codon 331 of the KIZ protein (p.Ser331Cys).

Blueprint Genetics
Classification: Uncertain significance. Last evaluated: 2021-04-19. Review status: criteria provided, single submitter. Criteria: ACMG Guidelines, 2015. Collection method: clinical testing. Allele origin: germline.